The following is an entry in ClinVar:

NM_005045.4(RELN):c.565C>T (p.His189Tyr)

Gene: RELN (reelin; minus strand). Cytogenetic location: 7q22.1.
Variant type: single nucleotide variant.
Coding change: c.565C>T on transcript NM_005045.4 (MANE Select); coding-DNA position 565, C replaced by T.
Protein change: p.His189Tyr; replaces histidine 189 with tyrosine.
Molecular consequence: missense variant.
Genome position (GRCh38, 1-based): chr7:103,753,194, G>A on the plus strand (C>T on the coding strand, the complement: RELN is on the minus strand). VCF-style: chr7-103753194-G-A. GRCh37 (hg19) VCF-style: chr7-103393641-G-A.
Other names: c.565C>T, p.His189Tyr (NM_173054.3); short protein forms H189Y.
Identifiers: ClinVar variation 287402 (VCV000287402.31), dbSNP rs115806540, ClinGen allele CA4422542.

ClinVar aggregate classification (germline): Benign/Likely benign. Review status: criteria provided, multiple submitters, no conflicts (2 of 4 stars). 8 submissions from 8 submitters: Benign (5); Likely benign (3). Last evaluated 2026-02-03.

Conditions:
Familial temporal lobe epilepsy 7. Identifiers: Orphanet 101046, MedGen C4225327, MONDO:0014639, OMIM 616436.
Norman-Roberts syndrome (LIS2). Also called: Lissencephaly 2 (Norman-Roberts type). Identifiers: Orphanet 89844, MedGen C0796089, MONDO:0009760, OMIM 257320.
Inborn genetic diseases. Identifiers: MedGen C0950123, MeSH D030342.

Allele frequency attached by ClinVar (database versions not stated): gnomAD exomes 0.00024 and 0.00070; ExAC 0.00076; 1000 Genomes Project 0.00240; 1000 Genomes Project 30x 0.00281; gnomAD 0.00294 and 0.00319; TOPMed 0.00329; ESP Exome Variant Server 0.00346.
gnomAD v4.1: 817 of 1,614,010 alleles (0.051%); highest among the groups gnomAD compares: African/African-American, 1%; 4 homozygotes.

Submissions (8):

Labcorp Genetics (formerly Invitae), Labcorp
Classification: Benign for Familial temporal lobe epilepsy 7; Norman-Roberts syndrome. Last evaluated: 2026-02-03. Review status: criteria provided, single submitter. Criteria: Invitae Variant Classification Sherloc (09022015). Collection method: clinical testing. Allele origin: germline.

CeGaT Center for Human Genetics Tuebingen
Classification: Likely benign. Last evaluated: 2026-01-01. Review status: criteria provided, single submitter. Criteria: CeGaT Center For Human Genetics Tuebingen Variant Classification Criteria Version 2. Collection method: clinical testing. Allele origin: germline. Affected: yes. Observed: 1 variant allele.
Comment: RELN: BP4, BS1

Ambry Genetics
Classification: Likely benign for Inborn genetic diseases. Last evaluated: 2025-08-19. Review status: criteria provided, single submitter. Criteria: Ambry Variant Classification Scheme 2023. Collection method: clinical testing. Allele origin: germline.

ARUP Laboratories, Molecular Genetics and Genomics, ARUP Laboratories
Classification: Likely benign. Last evaluated: 2024-06-06. Review status: criteria provided, single submitter. Criteria: ARUP Molecular Germline Variant Investigation Process 2024. Collection method: clinical testing. Allele origin: germline.

Genetic Services Laboratory, University of Chicago
Classification: Benign. Last evaluated: 2019-12-13. Review status: criteria provided, single submitter. Criteria: ACMG Guidelines, 2015. Collection method: clinical testing. Allele origin: germline. Affected: no.

GeneDx
Classification: Benign. Last evaluated: 2018-05-10. Review status: criteria provided, single submitter. Criteria: GeneDx Variant Classification (06012015). Collection method: clinical testing. Allele origin: germline. Affected: yes.
Comment: This variant is considered likely benign or benign based on one or more of the following criteria: it is a conservative change, it occurs at a poorly conserved position in the protein, it is predicted to be benign by multiple in silico algorithms, and/or has population frequency not consistent with disease.

Athena Diagnostics
Classification: Benign. Last evaluated: 2018-02-22. Review status: criteria provided, single submitter. Criteria: Athena Diagnostics Criteria. Collection method: clinical testing. Allele origin: germline.

Eurofins Ntd Llc (ga)
Classification: Benign. Last evaluated: 2016-05-05. Review status: criteria provided, single submitter. Criteria: EGL Classification Definitions 2015. Collection method: clinical testing. Allele origin: germline. Observed: 2 variant alleles, 2 heterozygotes.